The following is an entry in ClinVar:

ClinVar aggregate classification (germline): Uncertain significance (1 of 4 stars; one submission).

Submission:

GeneDx
Classification: Uncertain significance. Last evaluated: 2024-06-28. Review status: criteria provided, single submitter. Criteria: GeneDx Variant Classification Process June 2021. Collection method: clinical testing. Allele origin: germline. Affected: yes.
Comment: Not observed at significant frequency in large population cohorts (gnomAD); In silico analysis supports that this missense variant has a deleterious effect on protein structure/function; Has not been previously published as pathogenic or benign to our knowledge

NM_018896.5(CACNA1G):c.3821C>T (p.Thr1274Ile)

Gene: CACNA1G (calcium voltage-gated channel subunit alpha1 G; plus strand). Cytogenetic location: 17q21.33.
Variant type: single nucleotide variant.
Coding change: c.3821C>T on transcript NM_018896.5 (MANE Select); coding-DNA position 3821, C replaced by T.
Protein change: p.Thr1274Ile; replaces threonine 1274 with isoleucine.
Molecular consequence: missense variant. On other transcripts: non-coding transcript variant (5).
Genome position (GRCh38, 1-based): chr17:50,601,080, C>T. VCF-style: chr17-50601080-C-T. GRCh37 (hg19) VCF-style: chr17-48678441-C-T.
Other names: c.3821C>T, p.Thr1274Ile (NM_001256324.2, NM_001256325.2, NM_001256326.2 and 16 more transcripts); c.3752C>T, p.Thr1251Ile (NM_001256332.2, NM_198376.3, NM_198379.3 and 5 more transcripts); short protein forms T1251I, T1274I.
Identifiers: ClinVar variation 3392925 (VCV003392925.1).
Genomic context (GRCh38, chr17:50,601,080, plus strand): 5'-CCTCTCAGCCGTTGCCTCCATGCCTGGGCAGGTTCCGCCTCCTGTGTCACCGGATCATCA[C>T]CCACAAGATGTTCGACCACGTGGTCCTTGTCATCATCTTCCTTAACTGCATCACCATCGC-3'
Protein context (NP_061496.2, residues 1264-1284): RFRLLCHRII[Thr1274Ile]HKMFDHVVLV